The following is an entry in ClinVar:

NM_000432.4(MYL2):c.433G>T (p.Asp145Tyr)

Gene: MYL2 (myosin light chain 2; minus strand). Cytogenetic location: 12q24.11.
Variant type: single nucleotide variant.
Coding change: c.433G>T on transcript NM_000432.4 (MANE Select); coding-DNA position 433, G replaced by T.
Protein change: p.Asp145Tyr; replaces aspartic acid 145 with tyrosine.
Molecular consequence: missense variant.
Genome position (GRCh38, 1-based): chr12:110,911,145, C>A on the plus strand (G>T on the coding strand, the complement: MYL2 is on the minus strand). VCF-style: chr12-110911145-C-A. GRCh37 (hg19) VCF-style: chr12-111348949-C-A.
Other names: short protein forms D145Y.
Identifiers: ClinVar variation 925339 (VCV000925339.3), dbSNP rs199567559, ClinGen allele CA386696918.

ClinVar aggregate classification (germline): Uncertain significance (1 of 4 stars; one submission).

Conditions:
Cardiomyopathy (CMYO). Also called: Cardiomyopathies. Identifiers: Orphanet 167848, MedGen C0878544, MONDO:0004994, HP:0001638. Inheritance: Various modes of inheritance.

gnomAD v4.1: 1 of 1,612,394 alleles (0.000062%); highest among the groups gnomAD compares: Non-Finnish European, 0.000085%; no homozygotes.

Submission:

Color Diagnostics, LLC DBA Color Health
Classification: Uncertain significance for Cardiomyopathy. Last evaluated: 2019-01-08. Review status: criteria provided, single submitter. Criteria: ACMG Guidelines, 2015. Collection method: clinical testing. Allele origin: germline.
Comment: Variant of Uncertain Significance due to insufficient evidence: This missense variant is located in the EF hand domain 3 of the MYL2 protein. Computational prediction tools and conservation analyses suggest that this variant may have deleterious impact on the protein function. Computational splicing tools suggest that this variant may not impact RNA splicing. To our knowledge, functional assays have not been performed for this variant nor has this variant been reported in individuals affected with cardiovascular disorders in the literature. This variant is rare in the general population and has been identified in 0/277264 chromosomes by the Genome Aggregation Database (gnomAD). Available evidence is insufficient to determine the role of this variant in disease conclusively.